The following is an entry in ClinVar:

ClinVar aggregate classification (germline): Likely benign. Review status: criteria provided, multiple submitters, no conflicts (2 of 4 stars). 2 submissions from 2 submitters: Likely benign (2). Last evaluated 2023-10-29.

Conditions:
Nemaline myopathy 2 (NEM2). Also called: Nemaline myopathy 2, autosomal recessive. Identifiers: MedGen C1850569, MONDO:0009725, OMIM 256030.

Allele frequency attached by ClinVar (database versions not stated): gnomAD exomes 0.00001.
gnomAD v4.1: 18 of 1,592,568 alleles (0.0011%); highest among the groups gnomAD compares: Non-Finnish European, 0.0015%; no homozygotes.

Submissions (2):

Labcorp Genetics (formerly Invitae), Labcorp
Classification: Likely benign for Nemaline myopathy 2. Last evaluated: 2023-10-29. Review status: criteria provided, single submitter. Criteria: Invitae Variant Classification Sherloc (09022015). Collection method: clinical testing. Allele origin: germline.

GeneDx
Classification: Likely benign. Last evaluated: 2018-04-05. Review status: criteria provided, single submitter. Criteria: GeneDx Variant Classification (06012015). Collection method: clinical testing. Allele origin: germline. Affected: yes.
Comment: This variant is considered likely benign or benign based on one or more of the following criteria: it is a conservative change, it occurs at a poorly conserved position in the protein, it is predicted to be benign by multiple in silico algorithms, and/or has population frequency not consistent with disease.

NM_001164508.2(NEB):c.21630+7A>G

Genes: NEB (nebulin; minus strand), RIF1 (replication timing regulatory factor 1; plus strand). Cytogenetic location: 2q23.3.
Variant type: single nucleotide variant.
Coding change: c.21630+7A>G on transcript NM_001164508.2 (MANE Select); 7 bases into the intron after coding-DNA position 21630, A replaced by G.
Molecular consequence: intron variant.
Genome position (GRCh38, 1-based): chr2:151,530,987, T>C on the plus strand (A>G on the coding strand, the complement: NEB is on the minus strand). VCF-style: chr2-151530987-T-C. GRCh37 (hg19) VCF-style: chr2-152387501-T-C.
Other names: c.16527+7A>G (NM_004543.5); c.21630+7A>G (NM_001164507.2); c.21735+7A>G (NM_001271208.2).
Identifiers: ClinVar variation 681549 (VCV000681549.8), dbSNP rs1576455408, ClinGen allele CA915942811.